The following is an entry in ClinVar:

NM_206933.4(USH2A):c.6622G>A (p.Val2208Ile)

Gene: USH2A (usherin; minus strand). Cytogenetic location: 1q41.
Variant type: single nucleotide variant.
Coding change: c.6622G>A on transcript NM_206933.4 (MANE Select); coding-DNA position 6622, G replaced by A.
Protein change: p.Val2208Ile; replaces valine 2208 with isoleucine.
Molecular consequence: missense variant.
Genome position (GRCh38, 1-based): chr1:215,998,922, C>T on the plus strand (G>A on the coding strand, the complement: USH2A is on the minus strand). VCF-style: chr1-215998922-C-T. GRCh37 (hg19) VCF-style: chr1-216172264-C-T.
Other names: short protein forms V2208I.
Identifiers: ClinVar variation 1437506 (VCV001437506.5), dbSNP rs747250565, ClinGen allele CA1395090.

ClinVar aggregate classification (germline): Uncertain significance (1 of 4 stars; one submission).

Allele frequency attached by ClinVar (database versions not stated): ExAC 0.00001; gnomAD exomes 0.00001 and 0.00002; TOPMed 0.00003; gnomAD 0.00004.
gnomAD v4.1: 24 of 1,612,756 alleles (0.0015%); highest among the groups gnomAD compares: East Asian, 0.0045%; no homozygotes.

Submission:

Labcorp Genetics (formerly Invitae), Labcorp
Classification: Uncertain significance. Last evaluated: 2022-06-27. Review status: criteria provided, single submitter. Criteria: Invitae Variant Classification Sherloc (09022015). Collection method: clinical testing. Allele origin: germline.
Comment: This sequence change replaces valine, which is neutral and non-polar, with isoleucine, which is neutral and non-polar, at codon 2208 of the USH2A protein (p.Val2208Ile). This variant is present in population databases (rs747250565, gnomAD 0.004%). This variant has not been reported in the literature in individuals affected with USH2A-related conditions. Algorithms developed to predict the effect of missense changes on protein structure and function (SIFT, PolyPhen-2, Align-GVGD) all suggest that this variant is likely to be tolerated. In summary, the available evidence is currently insufficient to determine the role of this variant in disease. Therefore, it has been classified as a Variant of Uncertain Significance.